The following is an entry in ClinVar:

NM_001365276.2(TNXB):c.3096G>A (p.Gly1032=)

Gene: TNXB (tenascin XB; minus strand). Cytogenetic location: 6p21.33.
Variant type: single nucleotide variant.
Coding change: c.3096G>A on transcript NM_001365276.2 (MANE Select); coding-DNA position 3096, G replaced by A.
Protein change: p.Gly1032=; no amino-acid change (glycine 1032 retained).
Molecular consequence: synonymous variant.
Genome position (GRCh38, 1-based): chr6:32,085,802, C>T on the plus strand (G>A on the coding strand, the complement: TNXB is on the minus strand). VCF-style: chr6-32085802-C-T. GRCh37 (hg19) VCF-style: chr6-32053579-C-T.
Other names: c.3096G>A, p.Gly1032= (NM_019105.8).
Identifiers: ClinVar variation 3061621 (VCV003061621.2), dbSNP rs1262407101, ClinGen allele CA449698079.

ClinVar aggregate classification (germline): Likely benign (0 of 4 stars; one submission).

Conditions:
TNXB-related disorder. Also called: TNXB-related condition.

Allele frequency attached by ClinVar (database versions not stated): gnomAD exomes below 0.00001; TOPMed below 0.00001.
gnomAD v4.1: 1 of 1,592,082 alleles (0.000063%); highest among the groups gnomAD compares: Non-Finnish European, 0.000086%; no homozygotes.

Submission:

PreventionGenetics, part of Exact Sciences
Classification: Likely benign for TNXB-related condition. Last evaluated: 2022-11-01. Review status: no assertion criteria provided. Collection method: clinical testing. Allele origin: germline.
Comment: This variant is classified as likely benign based on ACMG/AMP sequence variant interpretation guidelines (Richards et al. 2015 PMID: 25741868, with internal and published modifications).